The following is an entry in ClinVar:

NM_002637.4(PHKA1):c.322A>G (p.Thr108Ala)

Genes: PHKA1 (phosphorylase kinase regulatory subunit alpha 1; minus strand), PHKA1-AS1 (PHKA1 antisense RNA 1; plus strand). Cytogenetic location: Xq13.1.
Variant type: single nucleotide variant.
Coding change: c.322A>G on transcript NM_002637.4 (MANE Select); coding-DNA position 322, A replaced by G.
Protein change: p.Thr108Ala; replaces threonine 108 with alanine.
Molecular consequence: missense variant.
Genome position (GRCh38, 1-based): chrX:72,695,840, T>C on the plus strand (A>G on the coding strand, the complement: PHKA1 is on the minus strand). VCF-style: chrX-72695840-T-C. GRCh37 (hg19) VCF-style: chrX-71915690-T-C.
Other names: c.322A>G, p.Thr108Ala (NM_001122670.2, NM_001172436.2); short protein forms T108A.
Identifiers: ClinVar variation 3306172 (VCV003306172.2).

ClinVar aggregate classification (germline): Uncertain significance. Review status: criteria provided, multiple submitters, no conflicts (2 of 4 stars). 2 submissions from 2 submitters: Uncertain significance (2). Last evaluated 2025-11-01.

Conditions:
Glycogen storage disease IXd (GSD9D). Also called: Muscle Phosphorylase Kinase Deficiency; GSD IXd. Identifiers: Orphanet 715, MedGen C1845151, MONDO:0010362, OMIM 300559.
Inborn genetic diseases. Identifiers: MedGen C0950123, MeSH D030342.

gnomAD v4.1: 21 of 1,204,507 alleles (0.0017%); highest among the groups gnomAD compares: Non-Finnish European, 0.0024%; no homozygotes.

Submissions (2):

Labcorp Genetics (formerly Invitae), Labcorp
Classification: Uncertain significance for Glycogen storage disease IXd. Last evaluated: 2025-11-01. Review status: criteria provided, single submitter. Criteria: Invitae Variant Classification Sherloc (09022015). Collection method: clinical testing. Allele origin: germline.
Comment: This sequence change replaces threonine, which is neutral and polar, with alanine, which is neutral and non-polar, at codon 108 of the PHKA1 protein (p.Thr108Ala). This variant is present in population databases (rs377069290, gnomAD 0.001%). This variant has not been reported in the literature in individuals affected with PHKA1-related conditions. ClinVar contains an entry for this variant (Variation ID: 3306172). Invitae Evidence Modeling of protein sequence and biophysical properties (such as structural, functional, and spatial information, amino acid conservation, physicochemical variation, residue mobility, and thermodynamic stability) indicates that this missense variant is not expected to disrupt PHKA1 protein function with a negative predictive value of 80%. In summary, the available evidence is currently insufficient to determine the role of this variant in disease. Therefore, it has been classified as a Variant of Uncertain Significance.

Ambry Genetics
Classification: Uncertain significance for Inborn genetic diseases. Last evaluated: 2024-05-21. Review status: criteria provided, single submitter. Criteria: Ambry Variant Classification Scheme 2023. Collection method: clinical testing. Allele origin: germline.